The following is an entry in ClinVar:

ClinVar aggregate classification (germline): Uncertain significance (1 of 4 stars; one submission).

gnomAD v4.1: 4 of 1,613,962 alleles (0.00025%); highest among the groups gnomAD compares: African/African-American, 0.0053%; no homozygotes.

Submission:

Labcorp Genetics (formerly Invitae), Labcorp
Classification: Uncertain significance. Last evaluated: 2025-06-09. Review status: criteria provided, single submitter. Criteria: Invitae Variant Classification Sherloc (09022015). Collection method: clinical testing. Allele origin: germline.
Comment: This sequence change replaces asparagine, which is neutral and polar, with serine, which is neutral and polar, at codon 884 of the USP53 protein (p.Asn884Ser). This variant is present in population databases (no rsID available, gnomAD 0.007%). This variant has not been reported in the literature in individuals affected with USP53-related conditions. Invitae Evidence Modeling of protein sequence and biophysical properties (such as structural, functional, and spatial information, amino acid conservation, physicochemical variation, residue mobility, and thermodynamic stability) indicates that this missense variant is not expected to disrupt USP53 protein function with a negative predictive value of 80%. In summary, the available evidence is currently insufficient to determine the role of this variant in disease. Therefore, it has been classified as a Variant of Uncertain Significance.

NM_001371395.1(USP53):c.2651A>G (p.Asn884Ser)

Gene: USP53 (ubiquitin specific peptidase 53; plus strand). Cytogenetic location: 4q26.
Variant type: single nucleotide variant.
Coding change: c.2651A>G on transcript NM_001371395.1 (MANE Select); coding-DNA position 2651, A replaced by G.
Protein change: p.Asn884Ser; replaces asparagine 884 with serine.
Molecular consequence: missense variant. On other transcripts: 3 prime UTR variant (4).
Genome position (GRCh38, 1-based): chr4:119,292,640, A>G. VCF-style: chr4-119292640-A-G. GRCh37 (hg19) VCF-style: chr4-120213795-A-G.
Other names: c.2498A>G, p.Asn833Ser (NM_001371396.1, NM_001389661.1); c.*151A>G (NM_001371397.1, NM_001371398.1, NM_001389666.1 and 1 more transcripts); c.2651A>G, p.Asn884Ser (NM_001371399.1, NM_001389658.1, NM_001389659.1 and 1 more transcripts); c.2501A>G, p.Asn834Ser (NM_001389660.1); c.2303A>G, p.Asn768Ser (NM_001389662.1, NM_001389663.1, NM_001389664.1); c.2150A>G, p.Asn717Ser (NM_001389665.1); short protein forms N717S, N833S, N834S, N768S, N884S.
Identifiers: ClinVar variation 4694233 (VCV004694233.1).
Genomic context (GRCh38, chr4:119,292,640, plus strand): 5'-CTTCACACCTAAGAACTGTTGGGTTAAAGCCAGAAACTGCTCCTCTCATCCAGCAACAAA[A>G]TATCATGGATCAATGTTACTTTGAGAACTCTCTATCCACAGAATGTATAATTCGGTCAGC-3'
Protein context (NP_001358324.1, residues 874-894): PETAPLIQQQ[Asn884Ser]IMDQCYFENS